The following is an entry in ClinVar:

ClinVar aggregate classification (germline): Conflicting classifications of pathogenicity. Review status: criteria provided, conflicting classifications (1 of 4 stars). 5 submissions from 5 submitters: Uncertain significance (4); Likely benign (1). Last evaluated 2025-10-05.

Conditions:
Cardiovascular phenotype. Identifiers: MedGen CN230736.
Hypercholesterolemia, autosomal dominant, type B (FHCL2). Also called: APOB-Related Familial Hypercholesterolemia, Autosomal Dominant; Hyperlipoproteinemia Type IIb; Familial Hypercholesterolemia Type B; APOLIPOPROTEIN B-100, FAMILIAL DEFECTIVE; APOLIPOPROTEIN B-100, FAMILIAL LIGAND-DEFECTIVE; Familial hypercholesterolemia 2. Identifiers: MedGen C1704417, MONDO:0007751, OMIM 144010.
Familial hypobetalipoproteinemia 1. Also called: APOB-Related Familial Hypobetalipoproteinemia; Hypobetalipoproteinemia, normotriglyceridemic; Acanthocytosis with hypobetalipoproteinemia. Identifiers: MedGen C4551990, MONDO:0014252, OMIM 615558.

Allele frequency attached by ClinVar (database versions not stated): gnomAD 0.00001; TOPMed 0.00002; ExAC 0.00005; gnomAD exomes 0.00005 and 0.00007.

Submissions (5):

Ambry Genetics
Classification: Uncertain significance for Cardiovascular phenotype. Last evaluated: 2025-10-05. Review status: criteria provided, single submitter. Criteria: Ambry Variant Classification Scheme 2023. Collection method: clinical testing. Allele origin: germline.
Comment: The p.G1327R variant (also known as c.3979G>A), located in coding exon 25 of the APOB gene, results from a G to A substitution at nucleotide position 3979. The glycine at codon 1327 is replaced by arginine, an amino acid with dissimilar properties. This amino acid position is well conserved in available vertebrate species. In addition, this alteration is predicted to be tolerated by in silico analysis. Since supporting evidence is limited at this time, the clinical significance of this alteration remains unclear.

Labcorp Genetics (formerly Invitae), Labcorp
Classification: Likely benign for Familial hypobetalipoproteinemia 1; Hypercholesterolemia, autosomal dominant, type B. Last evaluated: 2025-08-05. Review status: criteria provided, single submitter. Criteria: Invitae Variant Classification Sherloc (09022015). Collection method: clinical testing. Allele origin: germline.

GeneDx
Classification: Uncertain significance. Last evaluated: 2024-12-05. Review status: criteria provided, single submitter. Criteria: GeneDx Variant Classification Process June 2021. Collection method: clinical testing. Allele origin: germline. Affected: yes.
Comment: In silico analysis supports that this missense variant has a deleterious effect on protein structure/function; Has not been previously published as pathogenic or benign to our knowledge

Revvity Omics, Revvity
Classification: Uncertain significance. Last evaluated: 2024-06-11. Review status: criteria provided, single submitter. Criteria: ACMG Guidelines, 2015. Collection method: clinical testing. Allele origin: germline.

Fulgent Genetics
Classification: Uncertain significance for Hypercholesterolemia, autosomal dominant, type B; Familial hypobetalipoproteinemia 1. Last evaluated: 2021-07-05. Review status: criteria provided, single submitter. Criteria: ACMG Guidelines, 2015. Collection method: clinical testing. Allele origin: unknown.

NM_000384.3(APOB):c.3979G>A (p.Gly1327Arg)

Gene: APOB (apolipoprotein B; minus strand). Cytogenetic location: 2p24.1.
Variant type: single nucleotide variant.
Coding change: c.3979G>A on transcript NM_000384.3 (MANE Select); coding-DNA position 3979, G replaced by A.
Protein change: p.Gly1327Arg; replaces glycine 1327 with arginine.
Molecular consequence: missense variant.
Genome position (GRCh38, 1-based): chr2:21,013,397, C>T on the plus strand (G>A on the coding strand, the complement: APOB is on the minus strand). VCF-style: chr2-21013397-C-T. GRCh37 (hg19) VCF-style: chr2-21236269-C-T.
Other names: short protein forms G1327R.
Identifiers: ClinVar variation 630314 (VCV000630314.16), dbSNP rs760203474, ClinGen allele CA060280.